The following continues an entry in ClinVar:

NM_000077.5(CDKN2A):c.377T>A (p.Val126Asp)

Gene: CDKN2A. ClinVar aggregate classification (germline): Pathogenic. Pathogenic (11).

Submissions 10 to 13 of 13:

Fulgent Genetics
Classification: Pathogenic for Melanoma, cutaneous malignant, susceptibility to, 2; Melanoma and neural system tumor syndrome; Melanoma-pancreatic cancer syndrome. Last evaluated: 2021-11-24. Review status: criteria provided, single submitter. Criteria: ACMG Guidelines, 2015. Collection method: clinical testing. Allele origin: unknown.

St. Jude Molecular Pathology, St. Jude Children's Research Hospital
Classification: Pathogenic for Melanoma-pancreatic cancer syndrome. Last evaluated: 2021-10-11. Review status: criteria provided, single submitter. Criteria: St. Jude Assertion Criteria 2020. Collection method: clinical testing. Allele origin: germline.
Comment: The CDKN2A c.377T>A (p.Val126Asp) missense change replaces valine with aspartic acid at codon 126 of the CDKN2A gene and is absent in population databases including gnomAD v2.1.1 (PM2_supporting). This variant is one of the most common pathogenic variants found in melanoma-prone families (PMID: 21249757). It has been reported in over twenty individuals affected with familial melanoma (PS4; PMID: 9425228, 11506491, 20340136, 21614589, 23371019, 25685612, 26225579) and been shown to segregate with disease in two families affected with melanoma (PP1; PMID: 7987387). Five of six in silico tools predict a deleterious effect of this variant on protein function (PP3), and in vitro functional assays have shown that this variant impairs cell cycle inhibition and binding affinity to CDK4 and CDK6 (PS3; PMID: 7566978, 7647780, 8668202, 11595726, 20340136, 21462282, 23190892). This variant is also known as p.Val118Asp in the literature. In summary, this variant meets criteria to be classified as pathogenic based on the ACMG/AMP criteria applied: PS3, PS4, PM2_supporting, PP1, PP3, PP4.

Counsyl
Classification: Pathogenic for Melanoma-pancreatic cancer syndrome. Last evaluated: 2016-12-13. Review status: no assertion criteria provided. Collection method: clinical testing. Allele origin: unknown. Not counted in ClinVar's aggregate classification.

OMIM
Classification: risk factor for MELANOMA, CUTANEOUS MALIGNANT, SUSCEPTIBILITY TO, 2. Last evaluated: 2008-05-01. Review status: no assertion criteria provided. Collection method: literature only. Allele origin: germline. Not counted in ClinVar's aggregate classification.

Literature cited by the submitters: PubMed 10389768 (cited by 5 submitters); PubMed 11506491 (cited by Ambry Genetics and Color Diagnostics, LLC DBA Color Health); PubMed 11595726 (cited by 4 submitters); PubMed 20340136 (cited by 5 submitters); PubMed 21462282 (cited by 3 submitters); PubMed 23190892 (cited by 5 submitters); PubMed 29541281 (cited by Ambry Genetics and Color Diagnostics, LLC DBA Color Health); PubMed 7647780 (cited by 5 submitters); PubMed 7987387 (cited by 7 submitters); PubMed 8668202 (cited by 3 submitters); PubMed 9425228 (cited by 3 submitters); PubMed 15146471 (cited by 3 submitters); PubMed 16905682 (cited by Labcorp Genetics (formerly Invitae), Labcorp and Quest Diagnostics Nichols Institute San Juan Capistrano); PubMed 23371019 (cited by 3 submitters); PubMed 25356972 (cited by 3 submitters); PubMed 7987388 (cited by 3 submitters); PubMed 22841127 (cited by Quest Diagnostics Nichols Institute San Juan Capistrano and Counsyl); PubMed 18983535 (cited by Quest Diagnostics Nichols Institute San Juan Capistrano and Counsyl); PubMed 21614589 (cited by Color Diagnostics, LLC DBA Color Health); PubMed 25685612 (cited by Color Diagnostics, LLC DBA Color Health); PubMed 26225579 (cited by Color Diagnostics, LLC DBA Color Health and Counsyl); PubMed 35001868 (cited by Color Diagnostics, LLC DBA Color Health); PubMed 16169933 (cited by Counsyl); PubMed 18178632 (cited by OMIM).